The following is an entry in ClinVar:

NM_001042492.3(NF1):c.6242T>C (p.Leu2081Ser)

Gene: NF1 (neurofibromin 1; plus strand). Cytogenetic location: 17q11.2.
Variant type: single nucleotide variant.
Coding change: c.6242T>C on transcript NM_001042492.3 (MANE Select); coding-DNA position 6242, T replaced by C.
Protein change: p.Leu2081Ser; replaces leucine 2081 with serine.
Molecular consequence: missense variant.
Genome position (GRCh38, 1-based): chr17:31,336,729, T>C. VCF-style: chr17-31336729-T-C. GRCh37 (hg19) VCF-style: chr17-29663747-T-C.
Other names: c.6179T>C, p.Leu2060Ser (NM_000267.4); short protein forms L2060S, L2081S.
Identifiers: ClinVar variation 1003217 (VCV001003217.6), dbSNP rs2069684176, ClinGen allele CA399012094.

ClinVar aggregate classification (germline): Conflicting classifications of pathogenicity. Review status: criteria provided, conflicting classifications (1 of 4 stars). 2 submissions from 2 submitters: Pathogenic (1); Uncertain significance (1). Last evaluated 2025-12-12.

Conditions:
Cardiovascular phenotype. Identifiers: MedGen CN230736.
Hereditary cancer-predisposing syndrome. Also called: Tumor predisposition; Neoplastic Syndromes, Hereditary; Hereditary neoplastic syndrome; Hereditary Cancer Syndrome. Identifiers: Orphanet 140162, MedGen C0027672, MeSH D009386, MONDO:0015356.
Neurofibromatosis, type 1 (NF1). Also called: NEUROFIBROMATOSIS, TYPE I, SOMATIC; VON RECKLINGHAUSEN DISEASE; Peripheral type neurofibromatosis; Neurofibromatosis, type I. Identifiers: Orphanet 636, MedGen C0027831, MONDO:0018975, OMIM 162200. Disease mechanism: loss of function.

Submissions (2):

Ambry Genetics
Classification: Uncertain significance for Cardiovascular phenotype; Hereditary cancer-predisposing syndrome. Last evaluated: 2025-12-12. Review status: criteria provided, single submitter. Criteria: Ambry Variant Classification Scheme 2023. Collection method: clinical testing. Allele origin: germline.
Comment: The p.L2060S variant (also known as c.6179T>C), located in coding exon 41 of the NF1 gene, results from a T to C substitution at nucleotide position 6179. The leucine at codon 2060 is replaced by serine, an amino acid with dissimilar properties. This amino acid position is highly conserved in available vertebrate species. In addition, this alteration is predicted to be deleterious by in silico analysis. Based on the available evidence, the clinical significance of this variant remains unclear.

Labcorp Genetics (formerly Invitae), Labcorp
Classification: Pathogenic for Neurofibromatosis, type 1. Last evaluated: 2024-01-02. Review status: criteria provided, single submitter. Criteria: Invitae Variant Classification Sherloc (09022015). Collection method: clinical testing. Allele origin: germline.
Comment: This sequence change replaces leucine, which is neutral and non-polar, with serine, which is neutral and polar, at codon 2060 of the NF1 protein (p.Leu2060Ser). This variant is not present in population databases (gnomAD no frequency). This missense change has been observed in individual(s) with clinical features of NF1-related conditions (Invitae). In at least one individual the variant was observed to be de novo. ClinVar contains an entry for this variant (Variation ID: 1003217). Advanced modeling of protein sequence and biophysical properties (such as structural, functional, and spatial information, amino acid conservation, physicochemical variation, residue mobility, and thermodynamic stability) performed at Invitae indicates that this missense variant is expected to disrupt NF1 protein function with a positive predictive value of 95%. For these reasons, this variant has been classified as Pathogenic.